The following is an entry in ClinVar:

NM_015047.3(EMC1):c.1952C>T (p.Ala651Val)

Genes: EMC1 (ER membrane protein complex subunit 1; minus strand), EMC1-AS1 (EMC1 antisense RNA 1; plus strand). Cytogenetic location: 1p36.13.
Variant type: single nucleotide variant.
Coding change: c.1952C>T on transcript NM_015047.3 (MANE Select); coding-DNA position 1952, C replaced by T.
Protein change: p.Ala651Val; replaces alanine 651 with valine.
Molecular consequence: missense variant.
Genome position (GRCh38, 1-based): chr1:19,230,956, G>A on the plus strand (C>T on the coding strand, the complement: EMC1 is on the minus strand). VCF-style: chr1-19230956-G-A. GRCh37 (hg19) VCF-style: chr1-19557450-G-A.
Other names: c.1949C>T, p.Ala650Val (NM_001271427.2, NM_001271428.2); c.1886C>T, p.Ala629Val (NM_001271429.2); c.1961C>T, p.Ala654Val (NM_001375820.1); c.1958C>T, p.Ala653Val (NM_001375821.1); short protein forms A651V, A650V, A653V, A629V, A654V.
Identifiers: ClinVar variation 1385044 (VCV001385044.6), dbSNP rs756490055, ClinGen allele CA652444.
Genomic context (GRCh38, chr1:19,230,956, plus strand): 5'-AAGAAGATGGAAGGGGCAAGCTCATGTAGCTGTCGCAAGACATTCCGAGTGGCTGGAAAA[G>A]CTGTGACCTTGAAAAACCCAGAGAGCCCAAGGAAAGAGTTAGGAAATTTCCCCATCAAAG-3'
Protein context (NP_055862.1, residues 641-661): LLIDDEYKVT[Ala651Val]FPATRNVLRQ

ClinVar aggregate classification (germline): Uncertain significance (1 of 4 stars; one submission).

Allele frequency attached by ClinVar (database versions not stated): ExAC 0.00002.
gnomAD v4.1: 3 of 1,614,068 alleles (0.00019%); highest among the groups gnomAD compares: Non-Finnish European, 0.00025%; no homozygotes.

Submission:

Labcorp Genetics (formerly Invitae), Labcorp
Classification: Uncertain significance. Last evaluated: 2022-06-13. Review status: criteria provided, single submitter. Criteria: Invitae Variant Classification Sherloc (09022015). Collection method: clinical testing. Allele origin: germline.
Comment: Algorithms developed to predict the effect of missense changes on protein structure and function (SIFT, PolyPhen-2, Align-GVGD) all suggest that this variant is likely to be tolerated. This variant has not been reported in the literature in individuals affected with EMC1-related conditions. In summary, the available evidence is currently insufficient to determine the role of this variant in disease. Therefore, it has been classified as a Variant of Uncertain Significance. This variant is not present in population databases (gnomAD no frequency). This sequence change replaces alanine, which is neutral and non-polar, with valine, which is neutral and non-polar, at codon 651 of the EMC1 protein (p.Ala651Val).